The following is an entry in ClinVar:

NM_000540.3(RYR1):c.5547+180C>T

Gene: RYR1 (ryanodine receptor 1; plus strand). Cytogenetic location: 19q13.2.
Variant type: single nucleotide variant.
Coding change: c.5547+180C>T on transcript NM_000540.3 (MANE Select); 180 bases into the intron after coding-DNA position 5547, C replaced by T.
Molecular consequence: intron variant.
Genome position (GRCh38, 1-based): chr19:38,486,382, C>T. VCF-style: chr19-38486382-C-T. GRCh37 (hg19) VCF-style: chr19-38977022-C-T.
Other names: c.5547+180C>T (NM_001042723.2).
Identifiers: ClinVar variation 677673 (VCV000677673.1), dbSNP rs151180318, ClinGen allele CA308094212.

ClinVar aggregate classification (germline): Benign (1 of 4 stars; one submission).

Allele frequency attached by ClinVar (database versions not stated): 1000 Genomes Project 0.01777; 1000 Genomes Project 30x 0.01811; TOPMed 0.02056; gnomAD 0.02447 and 0.02522.
gnomAD v4.1: 3,703 of 152,200 alleles (2.4%); highest among the groups gnomAD compares: African/African-American, 2.5%; 73 homozygotes.

Submission:

GeneDx
Classification: Benign. Last evaluated: 2018-06-16. Review status: criteria provided, single submitter. Criteria: GeneDx Variant Classification (06012015). Collection method: clinical testing. Allele origin: germline. Affected: yes.
Comment: This variant is considered likely benign or benign based on one or more of the following criteria: it is a conservative change, it occurs at a poorly conserved position in the protein, it is predicted to be benign by multiple in silico algorithms, and/or has population frequency not consistent with disease.